The following is an entry in ClinVar:

NM_033380.3(COL4A5):c.4445G>A (p.Cys1482Tyr)

Gene: COL4A5 (collagen type IV alpha 5 chain; plus strand). Cytogenetic location: Xq22.3.
Variant type: single nucleotide variant.
Coding change: c.4445G>A on transcript NM_033380.3 (MANE Select); coding-DNA position 4445, G replaced by A.
Protein change: p.Cys1482Tyr; replaces cysteine 1482 with tyrosine.
Molecular consequence: missense variant.
Genome position (GRCh38, 1-based): chrX:108,687,611, G>A. VCF-style: chrX-108687611-G-A. GRCh37 (hg19) VCF-style: chrX-107930841-G-A.
Other names: c.4427G>A, p.Cys1476Tyr (NM_000495.5); short protein forms C1476Y, C1482Y.
Identifiers: ClinVar variation 1324123 (VCV001324123.6), dbSNP rs1569508382, ClinGen allele CA413854437.

ClinVar aggregate classification (germline): Conflicting classifications of pathogenicity. Review status: criteria provided, conflicting classifications (1 of 4 stars). 3 submissions from 3 submitters: Likely pathogenic (2); Uncertain significance (1). Last evaluated 2024-08-30.

Conditions:
X-linked Alport syndrome (ATS1). Also called: NEPHROPATHY AND DEAFNESS, X-LINKED; COL4A5-Related Nephropathy. Identifiers: Orphanet 63, Orphanet 88917, MedGen C4746986, MONDO:0010520, OMIM 301050.

Submissions (3):

3billion
Classification: Uncertain significance for X-linked Alport syndrome. Last evaluated: 2024-08-30. Review status: criteria provided, single submitter. Criteria: ACMG Guidelines, 2015. Collection method: clinical testing. Allele origin: germline. Affected: yes.
Comment: The variant is not observed in the gnomAD v4.0.0 dataset. Predicted Consequence/Location: Missense variant In silico tool predictions suggest damaging effect of the variant on gene or gene product [REVEL: 0.90 (>=0.6, sensitivity 0.68 and specificity 0.92); 3Cnet: 0.87 (>=0.6, sensitivity 0.72 and precision 0.9)]. The same nucleotide change resulting in the same amino acid change has been previously reported to be associated with COL4A5-related disorder (ClinVar ID: VCV001324123).Different missense changes at the same codon (p.Cys1482Phe, p.Cys1482Trp) have been reported to be associated with COL4A5-related disorder (ClinVar ID: VCV001074048 / PMID: 22921432, 36553470). However, the evidence of pathogenicity is insufficient at this time. Therefore, this variant is classified as VUS according to the recommendation of ACMG/AMP guideline.

Fulgent Genetics
Classification: Likely pathogenic for X-linked Alport syndrome. Last evaluated: 2024-01-30. Review status: criteria provided, single submitter. Criteria: ACMG Guidelines, 2015. Collection method: clinical testing. Allele origin: germline.

Revvity Omics, Revvity
Classification: Likely pathogenic for X-linked Alport syndrome. Last evaluated: 2021-07-14. Review status: criteria provided, single submitter. Criteria: ACMG Guidelines, 2015. Collection method: clinical testing. Allele origin: germline.

Literature cited by the submitters: PubMed 22921432 (cited by 3billion).